The following is an entry in ClinVar:

ClinVar aggregate classification (germline): Uncertain significance. Review status: criteria provided, multiple submitters, no conflicts (2 of 4 stars). 2 submissions from 2 submitters: Uncertain significance (2). Last evaluated 2025-11-08.

Conditions:
PITX3-related disorder. Also called: PITX3-related condition.

Submissions (2):

Labcorp Genetics (formerly Invitae), Labcorp
Classification: Uncertain significance. Last evaluated: 2025-11-08. Review status: criteria provided, single submitter. Criteria: Invitae Variant Classification Sherloc (09022015). Collection method: clinical testing. Allele origin: germline.
Comment: This variant, c.738_740dup, results in the insertion of 1 amino acid(s) of the PITX3 protein (p.Ala250dup), but otherwise preserves the integrity of the reading frame. This variant is present in population databases (rs775510715, gnomAD 0.04%), and has an allele count higher than expected for a pathogenic variant. This variant has not been reported in the literature in individuals affected with PITX3-related conditions. Experimental studies and prediction algorithms are not available or were not evaluated, and the functional significance of this variant is currently unknown. In summary, the available evidence is currently insufficient to determine the role of this variant in disease. Therefore, it has been classified as a Variant of Uncertain Significance.

PreventionGenetics, part of Exact Sciences
Classification: Uncertain significance for PITX3-related condition. Last evaluated: 2025-02-13. Review status: criteria provided, single submitter. Criteria: ACMG Guidelines, 2015. Collection method: clinical testing. Allele origin: germline.
Comment: The PITX3 c.738_740dupCGC variant is predicted to result in an in-frame duplication (p.Ala250dup). To our knowledge, this variant has not been reported in the literature. This variant is reported in 0.042% of alleles in individuals of European (Non-Finnish) descent in gnomAD. At this time, the clinical significance of this variant is uncertain due to the absence of conclusive functional and genetic evidence.

NM_005029.4(PITX3):c.726CGC[6] (p.Ala250dup)

Genes: GBF1 (golgi brefeldin A resistant guanine nucleotide exchange factor 1; plus strand), PITX3 (paired like homeodomain 3; minus strand), LOC130004591 (ATAC-STARR-seq lymphoblastoid silent region 2753; plus strand). Cytogenetic location: 10q24.32.
Variant type: Microsatellite.
Coding change: c.726CGC[6] on transcript NM_005029.4 (MANE Select); six copies in a row of the 3-base unit CGC starting at c.726; the reference has five copies in a row; one copy, 3 bases duplicated.
Protein change: p.Ala250dup; duplicates alanine 250.
Molecular consequence: inframe insertion.
Genome position (GRCh38, 1-based): chr10:102,230,683-102,230,685, GCG duplicated on the plus strand (CGC on the coding strand, the reverse complement: PITX3 is on the minus strand); duplicating any 3 consecutive bases within chr10:102,230,683-102,230,699 gives the same sequence; the position shown is the placement nearest the transcript's 3' end. VCF-style (leftmost placement, unchanged base first): chr10-102230682-C-CGCG. GRCh37 (hg19) VCF-style: chr10-103990439-C-CGCG.
Identifiers: ClinVar variation 665913 (VCV000665913.9), dbSNP rs749538425, ClinGen allele CA5662689.